The following is an entry in ClinVar:

NM_001201543.2(FAM161A):c.1044T>C (p.Tyr348=)

Gene: FAM161A (FAM161 centrosomal protein A; minus strand). Cytogenetic location: 2p15.
Variant type: single nucleotide variant.
Coding change: c.1044T>C on transcript NM_001201543.2 (MANE Select); coding-DNA position 1044, T replaced by C.
Protein change: p.Tyr348=; no amino-acid change (tyrosine 348 retained).
Molecular consequence: synonymous variant. On other transcripts: non-coding transcript variant (1).
Genome position (GRCh38, 1-based): chr2:61,839,960, A>G on the plus strand (T>C on the coding strand, the complement: FAM161A is on the minus strand). VCF-style: chr2-61839960-A-G. GRCh37 (hg19) VCF-style: chr2-62067095-A-G.
Other names: c.1044T>C, p.Tyr348= (NM_032180.3).
Identifiers: ClinVar variation 728519 (VCV000728519.17), dbSNP rs549784796, ClinGen allele CA1679227.

ClinVar aggregate classification (germline): Conflicting classifications of pathogenicity. Review status: criteria provided, conflicting classifications (1 of 4 stars). 5 submissions from 5 submitters: Uncertain significance (1); Likely benign (3). 1 of the submissions does not count toward it. Last evaluated 2026-01-18.

Conditions:
FAM161A-related disorder. Also called: FAM161A-related condition.
Retinitis pigmentosa 28 (RP28). Identifiers: Orphanet 791, MedGen C1419614, MONDO:0011630, OMIM 606068.
Retinitis pigmentosa (RP). Identifiers: Orphanet 791, MedGen C0035334, MeSH D012174, MONDO:0019200, OMIM 268000. Inheritance: Autosomal dominant, autosomal recessive and X linked inheritance.

Allele frequency attached by ClinVar (database versions not stated): ExAC 0.00008; gnomAD exomes 0.00008; gnomAD 0.00009; TOPMed 0.00010.
gnomAD v4.1: 296 of 1,614,032 alleles (0.018%); highest among the groups gnomAD compares: Non-Finnish European, 0.024%; no homozygotes.

Submissions (5):

Labcorp Genetics (formerly Invitae), Labcorp
Classification: Likely benign. Last evaluated: 2026-01-18. Review status: criteria provided, single submitter. Criteria: Invitae Variant Classification Sherloc (09022015). Collection method: clinical testing. Allele origin: germline.

PreventionGenetics, part of Exact Sciences
Classification: Likely benign for FAM161A-related condition. Last evaluated: 2025-02-12. Review status: criteria provided, single submitter. Criteria: ACMG Guidelines, 2015. Collection method: clinical testing. Allele origin: germline.
Comment: This variant is classified as likely benign based on ACMG/AMP sequence variant interpretation guidelines (Richards et al. 2015 PMID: 25741868, with internal and published modifications).

Blueprint Genetics
Classification: Likely benign. Last evaluated: 2024-06-24. Review status: criteria provided, single submitter. Criteria: ACMG Guidelines, 2015. Collection method: clinical testing. Allele origin: germline.

Illumina Laboratory Services, Illumina
Classification: Uncertain significance for Retinitis pigmentosa. Last evaluated: 2018-01-13. Review status: criteria provided, single submitter. Criteria: ICSL Variant Classification Criteria 13 December 2019. Collection method: clinical testing. Allele origin: germline.

Natera, Inc.
Classification: Uncertain significance for Retinitis pigmentosa type 28. Last evaluated: 2019-11-11. Review status: no assertion criteria provided. Collection method: clinical testing. Allele origin: germline. Not counted in ClinVar's aggregate classification.